The following is an entry in ClinVar:

NM_005422.4(TECTA):c.1533C>A (p.Asp511Glu)

Genes: TBCEL-TECTA (TBCEL-TECTA readthrough; plus strand), TECTA (tectorin alpha; plus strand). Cytogenetic location: 11q23.3.
Variant type: single nucleotide variant.
Coding change: c.1533C>A on transcript NM_005422.4 (MANE Select); coding-DNA position 1533, C replaced by A.
Protein change: p.Asp511Glu; replaces aspartic acid 511 with glutamic acid.
Molecular consequence: missense variant.
Genome position (GRCh38, 1-based): chr11:121,125,631, C>A. VCF-style: chr11-121125631-C-A. GRCh37 (hg19) VCF-style: chr11-120996340-C-A.
Other names: c.2490C>A, p.Asp830Glu (NM_001378761.1); short protein forms D511E, D830E.
Identifiers: ClinVar variation 3371593 (VCV003371593.1).

ClinVar aggregate classification (germline): Uncertain significance (1 of 4 stars; one submission).

Submission:

GeneDx
Classification: Uncertain significance. Last evaluated: 2024-04-03. Review status: criteria provided, single submitter. Criteria: GeneDx Variant Classification Process June 2021. Collection method: clinical testing. Allele origin: germline. Affected: yes.
Comment: Not observed at significant frequency in large population cohorts (gnomAD); In silico analysis supports that this missense variant does not alter protein structure/function; Has not been previously published as pathogenic or benign to our knowledge